The following is an entry in ClinVar:

ClinVar aggregate classification (germline): Pathogenic/Likely pathogenic. Review status: criteria provided, multiple submitters, no conflicts (2 of 4 stars). 3 submissions from 3 submitters: Pathogenic (2); Likely pathogenic (1). Last evaluated 2025-01-14.

Conditions:
Hypotonia, infantile, with psychomotor retardation and characteristic facies 3 (IHPRF3). Also called: TBCK-Related Neurodevelopmental Disorder. Identifiers: Orphanet 488632, MedGen C5567480, MONDO:0014823, OMIM 616900.

Allele frequency attached by ClinVar (database versions not stated): gnomAD exomes below 0.00001; gnomAD 0.00001.
gnomAD v4.1: 2 of 1,607,870 alleles (0.00012%); highest among the groups gnomAD compares: African/African-American, 0.0013%; no homozygotes.

Submissions (3):

Broad Center for Mendelian Genomics, Broad Institute of MIT and Harvard
Classification: Pathogenic for Hypotonia, infantile, with psychomotor retardation and characteristic facies 3. Last evaluated: 2025-01-14. Review status: criteria provided, single submitter. Criteria: ACMG Guidelines, 2015. Collection method: curation. Allele origin: germline. Inheritance: Autosomal recessive inheritance.
Comment: The p.Arg370Ter variant in TBCK has been reported in two individuals with TBCK-related intellectual disability syndrome (PMID: 37592902; DECIPHER), and has been identified in 0.001% (1/74628) of African/African American chromosomes by the Genome Aggregation Database (gnomAD; dbSNP ID: rs1452578209). Although this variant has been seen in the general population in a heterozygous state, its frequency is low enough to be consistent with a recessive carrier frequency. This variant has also been reported in ClinVar (Variation ID: 1678860) and has been interpreted as likely pathogenic by GeneDx. Of the 2 affected individuals, 1 of those was a homozygote, which increases the likelihood that the p.Arg370Ter variant is pathogenic (PMID: 37592902). This nonsense variant leads to a premature termination codon at position 370, which is predicted to lead to a truncated or absent protein. Loss of function of the TBCK gene is an established disease mechanism in autosomal recessive TBCK-related intellectual disability syndrome. In summary, this variant meets criteria to be classified as pathogenic for autosomal recessive TBCK-related intellectual disability syndrome. ACMG/AMP Criteria applied: PVS1, PM2_supporting, PM3_supporting (Richards 2015).

Labcorp Genetics (formerly Invitae), Labcorp
Classification: Pathogenic. Last evaluated: 2023-10-16. Review status: criteria provided, single submitter. Criteria: Invitae Variant Classification Sherloc (09022015). Collection method: clinical testing. Allele origin: germline.
Comment: This sequence change creates a premature translational stop signal (p.Arg370*) in the TBCK gene. It is expected to result in an absent or disrupted protein product. Loss-of-function variants in TBCK are known to be pathogenic (PMID: 27040692, 30103036). This variant is present in population databases (no rsID available, gnomAD 0.007%). This variant has not been reported in the literature in individuals affected with TBCK-related conditions. ClinVar contains an entry for this variant (Variation ID: 1678860). Algorithms developed to predict the effect of sequence changes on RNA splicing suggest that this variant may disrupt the consensus splice site. For these reasons, this variant has been classified as Pathogenic.

GeneDx
Classification: Likely pathogenic. Last evaluated: 2022-04-08. Review status: criteria provided, single submitter. Criteria: GeneDx Variant Classification Process June 2021. Collection method: clinical testing. Allele origin: germline. Affected: yes.
Comment: Nonsense variant predicted to result in protein truncation or nonsense mediated decay in a gene for which loss-of-function is a known mechanism of disease; Not observed at a significant frequency in large population cohorts (gnomAD); Has not been previously published as pathogenic or benign to our knowledge

Literature cited by the submitters: PubMed 27040692 (cited by Labcorp Genetics (formerly Invitae), Labcorp); PubMed 30103036 (cited by Labcorp Genetics (formerly Invitae), Labcorp).

NM_001163435.3(TBCK):c.1108C>T (p.Arg370Ter)

Gene: TBCK (TBC1 domain containing kinase; minus strand). Cytogenetic location: 4q24.
Variant type: single nucleotide variant.
Coding change: c.1108C>T on transcript NM_001163435.3 (MANE Select); coding-DNA position 1108, C replaced by T.
Protein change: p.Arg370Ter; replaces arginine 370 with a stop codon.
Molecular consequence: nonsense.
Genome position (GRCh38, 1-based): chr4:106,242,532, G>A on the plus strand (C>T on the coding strand, the complement: TBCK is on the minus strand). VCF-style: chr4-106242532-G-A. GRCh37 (hg19) VCF-style: chr4-107163689-G-A.
Other names: NM_001163435.3(TBCK):c.1108C>T; p.Arg370Ter; c.1108C>T, p.Arg370Ter (NM_001163436.4); c.991C>T, p.Arg331Ter (NM_001163437.3); c.592C>T, p.Arg198Ter (NM_001290768.2); c.919C>T, p.Arg307Ter (NM_033115.5); short protein forms R198*, R307*, R331*, R370*.
Identifiers: ClinVar variation 1678860 (VCV001678860.6), dbSNP rs1452578209, ClinGen allele CA357823660.